The following is an entry in ClinVar:

ClinVar aggregate classification (germline): Uncertain significance. Review status: criteria provided, multiple submitters, no conflicts (2 of 4 stars). 2 submissions from 2 submitters: Uncertain significance (2). Last evaluated 2024-06-24.

Conditions:
Neutral lipid storage myopathy (NLSDM). Also called: NEUTRAL LIPID STORAGE DISEASE WITHOUT ICHTHYOSIS. Identifiers: Orphanet 98908, MedGen C1853136, MONDO:0012545, OMIM 610717.

Allele frequency attached by ClinVar (database versions not stated): gnomAD exomes below 0.00001; TOPMed below 0.00001.
gnomAD v4.1: 1 of 1,517,462 alleles (0.000066%); highest among the groups gnomAD compares: Non-Finnish European, 0.000088%; no homozygotes.

Submissions (2):

Revvity Omics, Revvity
Classification: Uncertain significance for Neutral lipid storage myopathy. Last evaluated: 2024-06-24. Review status: criteria provided, single submitter. Criteria: ACMG Guidelines, 2015. Collection method: clinical testing. Allele origin: germline.

Labcorp Genetics (formerly Invitae), Labcorp
Classification: Uncertain significance for Neutral lipid storage myopathy. Last evaluated: 2019-05-22. Review status: criteria provided, single submitter. Criteria: Invitae Variant Classification Sherloc (09022015). Collection method: clinical testing. Allele origin: germline.
Comment: This sequence change replaces tyrosine with cysteine at codon 21 of the PNPLA2 protein (p.Tyr21Cys). The tyrosine residue is highly conserved and there is a large physicochemical difference between tyrosine and cysteine. The frequency data for this variant in the population databases is considered unreliable, as metrics indicate insufficient coverage at this position in the ExAC database. This variant has not been reported in the literature in individuals with PNPLA2-related conditions. Algorithms developed to predict the effect of missense changes on protein structure and function (SIFT, PolyPhen-2, Align-GVGD) all suggest that this variant is likely to be disruptive, but these predictions have not been confirmed by published functional studies and their clinical significance is uncertain. In summary, the available evidence is currently insufficient to determine the role of this variant in disease. Therefore, it has been classified as a Variant of Uncertain Significance.

NM_020376.4(PNPLA2):c.62A>G (p.Tyr21Cys)

Genes: PNPLA2 (patatin like domain 2, triacylglycerol lipase; plus strand), LOC130005097 (ATAC-STARR-seq lymphoblastoid silent region 3036; plus strand). Cytogenetic location: 11p15.5.
Variant type: single nucleotide variant.
Coding change: c.62A>G on transcript NM_020376.4 (MANE Select); coding-DNA position 62, A replaced by G.
Protein change: p.Tyr21Cys; replaces tyrosine 21 with cysteine.
Molecular consequence: missense variant.
Genome position (GRCh38, 1-based): chr11:819,780, A>G. VCF-style: chr11-819780-A-G. GRCh37 (hg19) VCF-style: chr11-819780-A-G.
Other names: short protein forms Y21C.
Identifiers: ClinVar variation 949144 (VCV000949144.2), dbSNP rs1845606934, ClinGen allele CA378976546.